The following is an entry in ClinVar:

NM_020738.4(KIDINS220):c.2174G>A (p.Arg725His)

Gene: KIDINS220 (kinase D interacting substrate 220; minus strand). Cytogenetic location: 2p25.1.
Variant type: single nucleotide variant.
Coding change: c.2174G>A on transcript NM_020738.4 (MANE Select); coding-DNA position 2174, G replaced by A.
Protein change: p.Arg725His; replaces arginine 725 with histidine.
Molecular consequence: missense variant. On other transcripts: non-coding transcript variant (2).
Genome position (GRCh38, 1-based): chr2:8,785,796, C>T on the plus strand (G>A on the coding strand, the complement: KIDINS220 is on the minus strand). VCF-style: chr2-8785796-C-T. GRCh37 (hg19) VCF-style: chr2-8925926-C-T.
Other names: c.2177G>A, p.Arg726His (NM_001348729.2, NM_001348731.2, NM_001348734.2 and 3 more transcripts); c.2174G>A, p.Arg725His (NM_001348732.2, NM_001348735.2, NM_001348738.2 and 3 more transcripts); c.2048G>A, p.Arg683His (NM_001348736.2); short protein forms R683H, R725H, R726H.
Identifiers: ClinVar variation 2650655 (VCV002650655.24), dbSNP rs572569622, ClinGen allele CA42335365.
Genomic context (GRCh38, chr2:8,785,796, plus strand): 5'-CTTACTTTCATGAATCCTTCACTTTTCAATTTGTGCAGTTTGGAGGCTGCATTATGGAGG[C>T]GTTTTCTTTGGGAATTCAGGAGCGAGTCCAGCACTTGCCACCATGTACGACAGTTCAACA-3'
Protein context (NP_065789.1, residues 715-735): LDSLLNSQRK[Arg725His]LHNAASKLHK

ClinVar aggregate classification (germline): Uncertain significance (1 of 4 stars; one submission).

Allele frequency attached by ClinVar (database versions not stated): gnomAD 0.00001.
gnomAD v4.1: 13 of 1,613,860 alleles (0.00081%); highest among the groups gnomAD compares: Non-Finnish European, 0.001%; no homozygotes.

Submission:

CeGaT Center for Human Genetics Tuebingen
Classification: Uncertain significance. Last evaluated: 2023-02-01. Review status: criteria provided, single submitter. Criteria: CeGaT Center For Human Genetics Tuebingen Variant Classification Criteria Version 2. Collection method: clinical testing. Allele origin: germline. Affected: yes. Observed: 1 variant allele.
Comment: KIDINS220: PM2